The following is an entry in ClinVar:

ClinVar aggregate classification (germline): Uncertain significance. Review status: criteria provided, multiple submitters, no conflicts (2 of 4 stars). 2 submissions from 2 submitters: Uncertain significance (2). Last evaluated 2023-05-17.

Conditions:
Short-rib thoracic dysplasia 14 with polydactyly (SRTD14). Identifiers: Orphanet 397715, MedGen C4225286, MONDO:0014688, OMIM 616546.
Joubert syndrome 23 (JBTS23). Identifiers: Orphanet 475, MedGen C4084822, MONDO:0014664, OMIM 616490.

Allele frequency attached by ClinVar (database versions not stated): gnomAD exomes below 0.00001; gnomAD 0.00002; TOPMed 0.00005.
gnomAD v4.1: 4 of 1,590,790 alleles (0.00025%); highest among the groups gnomAD compares: African/African-American, 0.0055%; no homozygotes.

Submissions (2):

Johns Hopkins Genomics, Johns Hopkins University
Classification: Uncertain significance for Joubert syndrome 23. Last evaluated: 2023-05-17. Review status: criteria provided, single submitter. Criteria: ACMG Guidelines, 2015. Collection method: clinical testing. Allele origin: germline.
Comment: This KIAA0586 missense variant (rs1040832003) is rare (<0.1%) in a large population dataset (gnomAD v3.1.2: 3/152080 total alleles; 0.002%; no homozygotes). It has been reported in ClinVar (Variation ID 1400076), but has not been reported in the literature, to our knowledge. Of two bioinformatics tools queried, one predicts that the substitution would be damaging, while the other predicts that it would be tolerated. The arginine residue at this position is evolutionarily conserved across most of the species assessed. We consider the clinical significance of c.2192G>A;p.Arg731Lys in KIAA0586 to be uncertain at this time.

Labcorp Genetics (formerly Invitae), Labcorp
Classification: Uncertain significance for Joubert syndrome 23; Short-rib thoracic dysplasia 14 with polydactyly. Last evaluated: 2022-07-05. Review status: criteria provided, single submitter. Criteria: Invitae Variant Classification Sherloc (09022015). Collection method: clinical testing. Allele origin: germline.
Comment: In summary, the available evidence is currently insufficient to determine the role of this variant in disease. Therefore, it has been classified as a Variant of Uncertain Significance. Algorithms developed to predict the effect of missense changes on protein structure and function are either unavailable or do not agree on the potential impact of this missense change (SIFT: "Deleterious"; PolyPhen-2: "Probably Damaging"; Align-GVGD: "Class C0"). ClinVar contains an entry for this variant (Variation ID: 1400076). This variant has not been reported in the literature in individuals affected with KIAA0586-related conditions. This variant is not present in population databases (gnomAD no frequency). This sequence change replaces arginine, which is basic and polar, with lysine, which is basic and polar, at codon 731 of the KIAA0586 protein (p.Arg731Lys).

NM_001329943.3(KIAA0586):c.2033G>A (p.Arg678Lys)

Gene: KIAA0586 (KIAA0586; plus strand). Cytogenetic location: 14q23.1.
Variant type: single nucleotide variant.
Coding change: c.2033G>A on transcript NM_001329943.3 (MANE Select); coding-DNA position 2033, G replaced by A.
Protein change: p.Arg678Lys; replaces arginine 678 with lysine.
Molecular consequence: missense variant.
Genome position (GRCh38, 1-based): chr14:58,461,134, G>A. VCF-style: chr14-58461134-G-A. GRCh37 (hg19) VCF-style: chr14-58927852-G-A.
Other names: c.2192G>A, p.Arg731Lys (NM_001244189.2); c.1778G>A, p.Arg593Lys (NM_001364700.1, NM_001364701.2, NM_001244191.2 and 1 more transcripts); c.1805G>A, p.Arg602Lys (NM_014749.5); c.1988G>A, p.Arg663Lys (NM_001244190.2); c.1901G>A, p.Arg634Lys (NM_001244192.2); c.1613G>A, p.Arg538Lys (NM_001244193.2); c.2033G>A, p.Arg678Lys (NM_001329944.2, NM_001329946.2, NM_001329947.2); c.2192G>A (NM_001244189.1); short protein forms R538K, R593K, R678K, R602K, R634K, R663K, R731K.
Identifiers: ClinVar variation 1400076 (VCV001400076.10), dbSNP rs1040832003, ClinGen allele CA261627479.
Genomic context (GRCh38, chr14:58,461,134, plus strand): 5'-CTCTTAAAAAAGGACCATATCTCAGATTTAATTCTCCATCTCCTAAGTCCAGACCACAGA[G>A]ACCAAAAGTAATAGAACGAGTTAAAGGTAAGGAATCTCATTTTTAATGTTTAATCTCATT-3'
Protein context (NP_001316872.1, residues 668-688): NSPSPKSRPQ[Arg678Lys]PKVIERVKGT